The following is an entry in ClinVar:

NM_002764.4(PRPS1):c.630T>C (p.Asp210=)

Gene: PRPS1 (phosphoribosyl pyrophosphate synthetase 1; plus strand). Cytogenetic location: Xq22.3.
Variant type: single nucleotide variant.
Coding change: c.630T>C on transcript NM_002764.4 (MANE Select); coding-DNA position 630, T replaced by C.
Protein change: p.Asp210=; no amino-acid change (aspartic acid 210 retained).
Molecular consequence: synonymous variant.
Genome position (GRCh38, 1-based): chrX:107,645,276, T>C. VCF-style: chrX-107645276-T-C. GRCh37 (hg19) VCF-style: chrX-106888506-T-C.
Other names: c.18T>C, p.Asp6= (NM_001204402.2); c.630T>C (NM_002764.3).
Identifiers: ClinVar variation 1102384 (VCV001102384.10), dbSNP rs2147684811, ClinGen allele CA517921305.

ClinVar aggregate classification (germline): Likely benign. Review status: criteria provided, multiple submitters, no conflicts (2 of 4 stars). 2 submissions from 2 submitters: Likely benign (2). Last evaluated 2026-02-25.

Conditions:
PRPS1-related disorder. Also called: PRPS1-related condition.
Charcot-Marie-Tooth Neuropathy X. Identifiers: MedGen CN118851.

Submissions (2):

PreventionGenetics, part of Exact Sciences
Classification: Likely benign for PRPS1-related condition. Last evaluated: 2026-02-25. Review status: criteria provided, single submitter. Criteria: ACMG Guidelines, 2015. Collection method: clinical testing. Allele origin: germline.
Comment: This variant is classified as likely benign based on ACMG/AMP sequence variant interpretation guidelines (Richards et al. 2015 PMID: 25741868, with internal and published modifications).

Labcorp Genetics (formerly Invitae), Labcorp
Classification: Likely benign for Charcot-Marie-Tooth Neuropathy X. Last evaluated: 2025-09-21. Review status: criteria provided, single submitter. Criteria: Invitae Variant Classification Sherloc (09022015). Collection method: clinical testing. Allele origin: germline.